The following is an entry in ClinVar:

NM_001289808.2(CRYAB):c.370A>G (p.Ile124Val)

Gene: CRYAB (crystallin alpha B; minus strand). Cytogenetic location: 11q23.1.
Variant type: single nucleotide variant.
Coding change: c.370A>G on transcript NM_001289808.2 (MANE Select); coding-DNA position 370, A replaced by G.
Protein change: p.Ile124Val; replaces isoleucine 124 with valine.
Molecular consequence: missense variant.
Genome position (GRCh38, 1-based): chr11:111,908,922, T>C on the plus strand (A>G on the coding strand, the complement: CRYAB is on the minus strand). VCF-style: chr11-111908922-T-C. GRCh37 (hg19) VCF-style: chr11-111779646-T-C.
Other names: c.370A>G, p.Ile124Val (NM_001289807.1, NM_001368245.1, NM_001885.3); c.169A>G, p.Ile57Val (NM_001330379.1, NM_001368246.1); short protein forms I124V, I57V.
Identifiers: ClinVar variation 227275 (VCV000227275.4), dbSNP rs876657444, ClinGen allele CA10577191.

ClinVar aggregate classification (germline): Likely benign (1 of 4 stars; one submission).

Allele frequency attached by ClinVar (database versions not stated): gnomAD exomes below 0.00001.
gnomAD v4.1: 1 of 1,614,108 alleles (0.000062%); highest among the groups gnomAD compares: Non-Finnish European, 0.000085%; no homozygotes.

Submission:

Laboratory for Molecular Medicine, Mass General Brigham Personalized Medicine
Classification: Likely benign. Last evaluated: 2016-03-03. Review status: criteria provided, single submitter. Criteria: LMM Criteria. Collection method: clinical testing. Allele origin: germline. Observed: 1 variant allele.
Comment: p.Ile124Val in exon 3 of CRYAB: This variant is not expected to have clinical si gnificance due to a lack of conservation across species, including mammals. Of n ote, fourteen mammals have a valine (Val) at this position. In addition, computa tional prediction tools do not suggest a high likelihood of impact to the protei n.